The following is an entry in ClinVar:

NM_006941.4(SOX10):c.1018G>A (p.Val340Met)

Genes: POLR2F (RNA polymerase II, I and III subunit F; plus strand), SOX10 (SRY-box transcription factor 10; minus strand). Cytogenetic location: 22q13.1.
Variant type: single nucleotide variant.
Coding change: c.1018G>A on transcript NM_006941.4 (MANE Select); coding-DNA position 1018, G replaced by A.
Protein change: p.Val340Met; replaces valine 340 with methionine.
Molecular consequence: missense variant. On other transcripts: intron variant (3).
Genome position (GRCh38, 1-based): chr22:37,973,878, C>T on the plus strand (G>A on the coding strand, the complement: SOX10 is on the minus strand). VCF-style: chr22-37973878-C-T. GRCh37 (hg19) VCF-style: chr22-38369885-C-T.
Other names: c.*38+1568C>T (NM_001363825.1); c.293+6708C>T (NM_001301130.2, NM_001301131.2); short protein forms V340M.
Identifiers: ClinVar variation 1049752 (VCV001049752.14), dbSNP rs549034055, ClinGen allele CA10228545.

ClinVar aggregate classification (germline): Conflicting classifications of pathogenicity. Review status: criteria provided, conflicting classifications (1 of 4 stars). 4 submissions from 4 submitters: Uncertain significance (2); Likely benign (1). 1 of the submissions does not count toward it. Last evaluated 2026-03-01.

Conditions:
SOX10-related disorder. Also called: SOX10-related condition.

Allele frequency attached by ClinVar (database versions not stated): gnomAD 0.00001 and 0.00003; ExAC 0.00002; 1000 Genomes Project 30x 0.00031; TOPMed 0.00003; 1000 Genomes Project 0.00020.
gnomAD v4.1: 19 of 1,610,384 alleles (0.0012%); highest among the groups gnomAD compares: Admixed American, 0.005%; no homozygotes.

Submissions (4):

CeGaT Center for Human Genetics Tuebingen
Classification: Likely benign. Last evaluated: 2026-03-01. Review status: criteria provided, single submitter. Criteria: CeGaT Center For Human Genetics Tuebingen Variant Classification Criteria Version 2. Collection method: clinical testing. Allele origin: germline. Affected: yes. Observed: 1 variant allele.
Comment: SOX10: BS2

PreventionGenetics, part of Exact Sciences
Classification: Uncertain significance for SOX10-related condition. Last evaluated: 2025-09-11. Review status: criteria provided, single submitter. Criteria: ACMG Guidelines, 2015. Collection method: clinical testing. Allele origin: germline.
Comment: The SOX10 c.1018G>A variant is predicted to result in the amino acid substitution p.Val340Met. This variant has been reported in an individual with normosmic congenital hypogonadotropic hypogonadism who also harbored a variant in the OTX2 gene (Patient 75, Amato et al. 2019. PubMed ID: 31200363). This variant is present in 0.0065% of alleles in individuals of South Asian descent in gnomAD. At this time, the clinical significance of this variant is uncertain due to the absence of conclusive functional and genetic evidence.

Labcorp Genetics (formerly Invitae), Labcorp
Classification: Uncertain significance. Last evaluated: 2024-06-20. Review status: criteria provided, single submitter. Criteria: Invitae Variant Classification Sherloc (09022015). Collection method: clinical testing. Allele origin: germline.
Comment: This sequence change replaces valine, which is neutral and non-polar, with methionine, which is neutral and non-polar, at codon 340 of the SOX10 protein (p.Val340Met). This variant is present in population databases (rs549034055, gnomAD 0.007%). This missense change has been observed in individual(s) with congenital hypogonadotropic hypogonadism (PMID: 31200363). ClinVar contains an entry for this variant (Variation ID: 1049752). Advanced modeling of protein sequence and biophysical properties (such as structural, functional, and spatial information, amino acid conservation, physicochemical variation, residue mobility, and thermodynamic stability) performed at Invitae indicates that this missense variant is not expected to disrupt SOX10 protein function with a negative predictive value of 80%. In summary, the available evidence is currently insufficient to determine the role of this variant in disease. Therefore, it has been classified as a Variant of Uncertain Significance.

Department of Pathology and Laboratory Medicine, Sinai Health System
Classification: Uncertain significance. Review status: no assertion criteria provided. Collection method: clinical testing. Allele origin: unknown. Affected: yes. Study: The Canadian Open Genetics Repository (COGR). Not counted in ClinVar's aggregate classification.
Comment: The SOX10 p.Val340Met variant was not identified in the literature nor was it identified in ClinVar or LOVD 3.0. The variant was identified in dbSNP (ID: rs549034055) and in control databases in 5 of 247922 chromosomes at a frequency of 0.00002017 (Genome Aggregation Database March 6, 2019, v2.1.1). The variant was observed in the following populations: South Asian in 2 of 30572 chromosomes (freq: 0.000065), East Asian in 1 of 18322 chromosomes (freq: 0.000055), Latino in 1 of 34522 chromosomes (freq: 0.000029) and European (non-Finnish) in 1 of 113024 chromosomes (freq: 0.000009), but was not observed in the African, Ashkenazi Jewish, European (Finnish), or Other populations. The p.Val340 residue is conserved in mammals however four of five computational analyses (PolyPhen-2, SIFT, AlignGVGD, BLOSUM, MutationTaster) do not suggest a high likelihood of impact to the protein; this information is not predictive enough to rule out pathogenicity. The variant occurs outside of the splicing consensus sequence and three of four in silico or computational prediction software programs (SpliceSiteFinder, MaxEntScan, NNSPLICE, GeneSplicer) do not predict a difference in splicing. In summary, based on the above information the clinical significance of this variant cannot be determined with certainty at this time. This variant is classified as a variant of uncertain significance.

Literature cited by the submitters: PubMed 31200363 (cited by Labcorp Genetics (formerly Invitae), Labcorp).